The following is an entry in ClinVar:

ClinVar aggregate classification (germline): Pathogenic (1 of 4 stars; one submission).

Submission:

Labcorp Genetics (formerly Invitae), Labcorp
Classification: Pathogenic. Last evaluated: 2020-01-29. Review status: criteria provided, single submitter. Criteria: Invitae Variant Classification Sherloc (09022015). Collection method: clinical testing. Allele origin: germline.
Comment: This variant has not been reported in the literature in individuals with USH2A-related conditions. For these reasons, this variant has been classified as Pathogenic. Loss-of-function variants in USH2A are known to be pathogenic (PMID: 10729113, 10909849, 20507924, 25649381). This variant is not present in population databases (ExAC no frequency). This sequence change creates a premature translational stop signal (p.Gly291*) in the USH2A gene. It is expected to result in an absent or disrupted protein product.

Literature cited by the submitters: PubMed 10729113; PubMed 10909849; PubMed 20507924; PubMed 25649381.

NM_206933.4(USH2A):c.871G>T (p.Gly291Ter)

Gene: USH2A (usherin; minus strand). Cytogenetic location: 1q41.
Variant type: single nucleotide variant.
Coding change: c.871G>T on transcript NM_206933.4 (MANE Select); coding-DNA position 871, G replaced by T.
Protein change: p.Gly291Ter; replaces glycine 291 with a stop codon.
Molecular consequence: nonsense.
Genome position (GRCh38, 1-based): chr1:216,325,577, C>A on the plus strand (G>T on the coding strand, the complement: USH2A is on the minus strand). VCF-style: chr1-216325577-C-A. GRCh37 (hg19) VCF-style: chr1-216498919-C-A.
Other names: c.871G>T, p.Gly291Ter (NM_007123.6); short protein forms G291*.
Identifiers: ClinVar variation 1076938 (VCV001076938.7), dbSNP rs2102656270, ClinGen allele CA344912739.